The following is an entry in ClinVar:

ClinVar aggregate classification (germline): Uncertain significance. Review status: criteria provided, multiple submitters, no conflicts (2 of 4 stars). 3 submissions from 3 submitters: Uncertain significance (3). Last evaluated 2026-08-01.

Conditions:
PCARE-related disorder. Also called: PCARE-related condition.

Allele frequency attached by ClinVar (database versions not stated): gnomAD exomes 0.00001 and 0.00003; ExAC 0.00003; gnomAD 0.00010 and 0.00012; TOPMed 0.00011; ESP Exome Variant Server 0.00016.
gnomAD v4.1: 35 of 1,612,968 alleles (0.0022%); highest among the groups gnomAD compares: African/African-American, 0.04%; no homozygotes.

Submissions (3):

PreventionGenetics, part of Exact Sciences
Classification: Uncertain significance for PCARE-related condition. Last evaluated: 2026-08-01. Review status: criteria provided, single submitter. Criteria: ACMG Guidelines, 2015. Collection method: clinical testing. Allele origin: germline.
Comment: The PCARE c.122T>A variant is predicted to result in the amino acid substitution p.Ile41Asn. To our knowledge, this variant has not been reported in the literature. This variant is reported in 0.041% of alleles in individuals of African descent in gnomAD. At this time, the clinical significance of this variant is uncertain due to the absence of conclusive functional and genetic evidence.

Labcorp Genetics (formerly Invitae), Labcorp
Classification: Uncertain significance. Last evaluated: 2023-11-27. Review status: criteria provided, single submitter. Criteria: Invitae Variant Classification Sherloc (09022015). Collection method: clinical testing. Allele origin: germline.
Comment: This sequence change replaces isoleucine, which is neutral and non-polar, with asparagine, which is neutral and polar, at codon 41 of the PCARE protein (p.Ile41Asn). This variant is present in population databases (rs370703911, gnomAD 0.05%). This variant has not been reported in the literature in individuals affected with PCARE-related conditions. ClinVar contains an entry for this variant (Variation ID: 847741). An algorithm developed to predict the effect of missense changes on protein structure and function (PolyPhen-2) suggests that this variant is likely to be tolerated. In summary, the available evidence is currently insufficient to determine the role of this variant in disease. Therefore, it has been classified as a Variant of Uncertain Significance.

Blueprint Genetics
Classification: Uncertain significance. Last evaluated: 2020-12-31. Review status: criteria provided, single submitter. Criteria: ACMG Guidelines, 2015. Collection method: clinical testing. Allele origin: germline.

NM_001029883.3(PCARE):c.122T>A (p.Ile41Asn)

Gene: PCARE (photoreceptor cilium actin regulator; minus strand). Cytogenetic location: 2p23.2.
Variant type: single nucleotide variant.
Coding change: c.122T>A on transcript NM_001029883.3 (MANE Select); coding-DNA position 122, T replaced by A.
Protein change: p.Ile41Asn; replaces isoleucine 41 with asparagine.
Molecular consequence: missense variant.
Genome position (GRCh38, 1-based): chr2:29,074,140, A>T on the plus strand (T>A on the coding strand, the complement: PCARE is on the minus strand). VCF-style: chr2-29074140-A-T. GRCh37 (hg19) VCF-style: chr2-29297006-A-T.
Other names: short protein forms I41N.
Identifiers: ClinVar variation 847741 (VCV000847741.9), dbSNP rs370703911, ClinGen allele CA1592713.